The following is an entry in ClinVar:

NM_007294.4(BRCA1):c.379del (p.Ser127fs)

Gene: BRCA1 (BRCA1 DNA repair associated; minus strand). Cytogenetic location: 17q21.31.
Variant type: Deletion.
Coding change: c.379del on transcript NM_007294.4 (MANE Select); coding-DNA position 379, one base deleted (A; older notation c.379delA).
Protein change: p.Ser127fs; shifts the reading frame from serine 127.
Molecular consequence: frameshift variant. On other transcripts: non-coding transcript variant (1).
Genome position (GRCh38, 1-based): chr17:43,104,184, T deleted on the plus strand (A on the coding strand, the reverse complement: BRCA1 is on the minus strand); the first of 3 consecutive T bases (chr17:43,104,184-43,104,186); deleting any one gives the same sequence. VCF-style (leftmost placement, unchanged base first): chr17-43104183-CT-C. GRCh37 (hg19) VCF-style: chr17-41256200-CT-C.
Other names: c.299delA, p.Ser101Valfs (NM_001408416.1, NM_001407653.1, NM_001407654.1 and 21 more transcripts); c.377delA, p.Ser127Valfs (NM_001407619.1, NM_001407617.1, NM_001407620.1 and 163 more transcripts); c.236delA, p.Ser80Valfs (NM_001407739.1, NM_001407734.1, NM_001407735.1 and 98 more transcripts); c.379delA (NM_007294.3); c.167delA, p.Ser57Valfs (NM_001407853.1, NM_001407879.1, NM_001407881.1 and 58 more transcripts); c.-5delA (NM_001407959.1, NM_001407960.1, NM_001407962.1 and 4 more transcripts); c.368delA, p.Ser124Valfs (NM_001408408.1, NM_001407646.1, NM_001407647.1); c.245delA, p.Ser83Valfs (NM_001408451.1); and 2 more; short protein forms S127fs, S80fs.
Identifiers: ClinVar variation 496371 (VCV000496371.2), dbSNP rs1555596373, ClinGen allele CA658684055.

ClinVar aggregate classification (germline): Likely pathogenic (1 of 4 stars; one submission).

Conditions:
Hereditary breast ovarian cancer syndrome. Also called: Breast and ovarian cancer; BRCA1- and BRCA2-Associated Hereditary Breast and Ovarian Cancer; Hereditary breast and ovarian cancer syndrome (HBOC); Hereditary breast and ovarian cancer; Hereditary breast and/or ovarian cancer syndrome; Hereditary breast and ovarian cancer syndrome. Identifiers: Orphanet 145, MedGen C0677776, MeSH D061325, MONDO:0003582. Disease mechanism: loss of function.

Submission:

Women's Health and Genetics/Laboratory Corporation of America, LabCorp
Classification: Likely pathogenic for Hereditary breast ovarian cancer syndrome. Last evaluated: 2016-11-11. Review status: criteria provided, single submitter. Criteria: LabCorp Variant Classification Summary - May 2015. Collection method: clinical testing. Allele origin: germline.
Comment: Variant summary: The c.379delA (p.Ser127Valfs) variant in BRCA1 gene is a frameshift change that is predicted to cause loss of normal protein function through protein truncation or nonsense-mediated mRNA decay. The variant is absent from the large control population dataset of ExAC .The variant of interest has been reported in at least one affected individual from published report (Alsop, 2012), but has not been cited any reputable databases/clinical laboratories. Taking together, the variant was classified as Likely Pathogenic.

Literature cited by the submitters: PubMed 22896685.